The following is an entry in ClinVar:

NM_006969.5(ZNF28):c.1442A>T (p.His481Leu)

Genes: ZNF28 (zinc finger protein 28; minus strand), ZNF600 (zinc finger protein 600; minus strand). Cytogenetic location: 19q13.41.
Variant type: single nucleotide variant.
Coding change: c.1442A>T on transcript NM_006969.5 (MANE Select); coding-DNA position 1442, A replaced by T.
Protein change: p.His481Leu; replaces histidine 481 with leucine.
Molecular consequence: missense variant. On other transcripts: 3 prime UTR variant (2), non-coding transcript variant (1).
Genome position (GRCh38, 1-based): chr19:52,800,403, T>A on the plus strand (A>T on the coding strand, the complement: ZNF28 is on the minus strand). VCF-style: chr19-52800403-T-A. GRCh37 (hg19) VCF-style: chr19-53303656-T-A.
Other names: c.*1170A>T (NM_001369761.1, NM_001369766.1); c.1283A>T, p.His428Leu (NM_001369762.1); c.1433A>T, p.His478Leu (NM_001369763.1); c.1400A>T, p.His467Leu (NM_001369764.1); c.1334A>T, p.His445Leu (NM_001369765.1); short protein forms H428L, H445L, H467L, H478L, H481L.
Identifiers: ClinVar variation 2650396 (VCV002650396.24), dbSNP rs150655137, ClinGen allele CA9627829.
Genomic context (GRCh38, chr19:52,800,403, plus strand): 5'-TCACAAACCTTACATTTGTATGGTTTCTCTCCAGTATGAATCCTCCTATGTCTTTCAAGG[T>A]GTGATTTGCACCTGAAAACTTTGTCACATTCTTCACATTTGTATGGTTTCTCTGCAGTAT-3'
Protein context (NP_008900.3, residues 471-491): ECDKVFRCKS[His481Leu]LERHRRIHTG

ClinVar aggregate classification (germline): Likely benign (1 of 4 stars; one submission).

Allele frequency attached by ClinVar (database versions not stated): 1000 Genomes Project 30x 0.00125; 1000 Genomes Project 0.00140; ExAC 0.00236; TOPMed 0.00304; gnomAD 0.00326; ESP Exome Variant Server 0.00338; gnomAD exomes 0.00429.
gnomAD v4.1: 6,859 of 1,614,070 alleles (0.42%); highest among the groups gnomAD compares: Non-Finnish European, 0.52%; 27 homozygotes.

Submission:

CeGaT Center for Human Genetics Tuebingen
Classification: Likely benign. Last evaluated: 2022-12-01. Review status: criteria provided, single submitter. Criteria: CeGaT Center For Human Genetics Tuebingen Variant Classification Criteria Version 2. Collection method: clinical testing. Allele origin: germline. Affected: yes. Observed: 1 variant allele.
Comment: ZNF28: BP4, BS2